The following is an entry in ClinVar:

ClinVar aggregate classification (germline): Conflicting classifications of pathogenicity. Review status: criteria provided, conflicting classifications (1 of 4 stars). 9 submissions from 9 submitters: Uncertain significance (8); Likely benign (1). Last evaluated 2025-12-23.

Conditions:
Hereditary cancer-predisposing syndrome. Also called: Hereditary neoplastic syndrome; Hereditary Cancer Syndrome; Neoplastic Syndromes, Hereditary; Tumor predisposition. Identifiers: Orphanet 140162, MedGen C0027672, MeSH D009386, MONDO:0015356.
Hereditary breast ovarian cancer syndrome. Also called: Hereditary breast and ovarian cancer syndrome; BRCA1- and BRCA2-Associated Hereditary Breast and Ovarian Cancer; Hereditary breast and/or ovarian cancer syndrome; Hereditary breast and ovarian cancer; Breast and ovarian cancer; Hereditary breast and ovarian cancer syndrome (HBOC). Identifiers: Orphanet 145, MedGen C0677776, MeSH D061325, MONDO:0003582. Disease mechanism: loss of function.
Breast-ovarian cancer, familial, susceptibility to, 2 (BROVCA2). Also called: BRCA2 Hereditary Breast and Ovarian Cancer. Identifiers: Orphanet 145, MedGen C2675520, MONDO:0012933, OMIM 612555. Disease mechanism: loss of function.

Allele frequency attached by ClinVar (database versions not stated): gnomAD exomes 0.00001; ExAC 0.00003.
gnomAD v4.1: 8 of 1,593,988 alleles (0.0005%); highest among the groups gnomAD compares: South Asian, 0.0069%; no homozygotes.

Submissions (9):

Labcorp Genetics (formerly Invitae), Labcorp
Classification: Uncertain significance for Hereditary breast ovarian cancer syndrome. Last evaluated: 2025-12-23. Review status: criteria provided, single submitter. Criteria: Invitae Variant Classification Sherloc (09022015). Collection method: clinical testing. Allele origin: germline.
Comment: This sequence change replaces lysine, which is basic and polar, with arginine, which is basic and polar, at codon 2162 of the BRCA2 protein (p.Lys2162Arg). This variant is present in population databases (rs11571660, gnomAD 0.008%). This variant has not been reported in the literature in individuals affected with BRCA2-related conditions. ClinVar contains an entry for this variant (Variation ID: 419941). Invitae Evidence Modeling of protein sequence and biophysical properties (such as structural, functional, and spatial information, amino acid conservation, physicochemical variation, residue mobility, and thermodynamic stability) indicates that this missense variant is not expected to disrupt BRCA2 protein function with a negative predictive value of 95%. In summary, the available evidence is currently insufficient to determine the role of this variant in disease. Therefore, it has been classified as a Variant of Uncertain Significance.

Center for Genomic Medicine, Rigshospitalet, Copenhagen University Hospital
Classification: Uncertain significance. Last evaluated: 2025-03-04. Review status: criteria provided, single submitter. Criteria: ACMG Guidelines, 2015. Collection method: clinical testing. Allele origin: germline.

Ambry Genetics
Classification: Uncertain significance for Hereditary cancer-predisposing syndrome. Last evaluated: 2023-06-21. Review status: criteria provided, single submitter. Criteria: Ambry Variant Classification Scheme 2023. Collection method: clinical testing. Allele origin: germline.
Comment: The p.K2162R variant (also known as c.6485A>G), located in coding exon 10 of the BRCA2 gene, results from an A to G substitution at nucleotide position 6485. The lysine at codon 2162 is replaced by arginine, an amino acid with highly similar properties. This amino acid position is not well conserved in available vertebrate species. In addition, this alteration is predicted to be tolerated by in silico analysis. Since supporting evidence is limited at this time, the clinical significance of this alteration remains unclear.

KCCC/NGS Laboratory, Kuwait Cancer Control Center
Classification: Uncertain significance for Breast-ovarian cancer, familial, susceptibility to, 2. Last evaluated: 2023-05-17. Review status: criteria provided, single submitter. Criteria: ACMG Guidelines, 2015. Collection method: clinical testing. Allele origin: unknown. Inheritance: Autosomal dominant inheritance. Affected: yes.
Comment: A variant of uncertain significance was detected in the BRCA2 gene (c.6485A>G). This sequence change replaces lysine, which is basic and polar, with arginine, which is basic and polar, at codon 2162 of the BRCA2 protein (p.Lys2162Arg). This variant is present in population databases (rs11571660, gnomAD 0.008%). This amino acid position is not well conserved ( PhyloP=1.23) . This variant has not been reported in the literature in individuals affected with BRCA2- related conditions. ClinVar contains an entry for this variant (Variation ID: 419941) classified as uncertain significance . In silico analyses predict that this variant is unlikely to alter protein structure or function. In summary, the available evidence is currently insufficient to determine the role of this variant in disease. Therefore, it has been classified as a Variant of Uncertain Significance.

All of Us Research Program, National Institutes of Health
Classification: Uncertain significance for Breast-ovarian cancer, familial, susceptibility to, 2. Last evaluated: 2023-05-08. Review status: criteria provided, single submitter. Criteria: ACMG Guidelines, 2015. Collection method: clinical testing. Allele origin: germline. Inheritance: Autosomal dominant inheritance. Observed: 1 variant allele, 1 heterozygote.
Comment: This missense variant replaces lysine with arginine at codon 2162 of the BRCA2 protein. Computational prediction suggests that this variant may not impact protein structure and function (internally defined REVEL score threshold <= 0.5, PMID: 27666373). To our knowledge, functional studies have not been reported for this variant. This variant has not been reported in individuals affected with hereditary cancer in the literature. This variant has been identified in 3/234006 chromosomes in the general population by the Genome Aggregation Database (gnomAD). The available evidence is insufficient to determine the role of this variant in disease conclusively. Therefore, this variant is classified as a Variant of Uncertain Significance.

This study involves interpretation of variants in research participants for the purpose of population health screening. Participant phenotype was not available at the time of variant classification. Additional details can be found in publication PMID: 35346344, PMCID: PMC8962531

University of Washington Department of Laboratory Medicine, University of Washington
Classification: Likely benign for Hereditary cancer-predisposing syndrome. Last evaluated: 2023-03-23. Review status: criteria provided, single submitter. Criteria: Dines et al. (Genet Med. 2020). Collection method: curation. Allele origin: germline.
Comment: Missense variant in a coldspot region where missense variants are very unlikely to be pathogenic (PMID:31911673).

BRCA2 exon 11 coldspot. Reclassification based on statistical prior probability.

Color Diagnostics, LLC DBA Color Health
Classification: Uncertain significance for Hereditary cancer-predisposing syndrome. Last evaluated: 2022-01-26. Review status: criteria provided, single submitter. Criteria: ACMG Guidelines, 2015. Collection method: clinical testing. Allele origin: germline.
Comment: This missense variant replaces lysine with arginine at codon 2162 of the BRCA2 protein. Computational prediction suggests that this variant may not impact protein structure and function (internally defined REVEL score threshold <= 0.5, PMID: 27666373). To our knowledge, functional studies have not been reported for this variant. This variant has not been reported in individuals affected with hereditary cancer in the literature. This variant has been identified in 3/234006 chromosomes in the general population by the Genome Aggregation Database (gnomAD). The available evidence is insufficient to determine the role of this variant in disease conclusively. Therefore, this variant is classified as a Variant of Uncertain Significance.

GeneDx
Classification: Uncertain significance. Last evaluated: 2016-09-22. Review status: criteria provided, single submitter. Criteria: GeneDx Variant Classification (06012015). Collection method: clinical testing. Allele origin: germline. Affected: yes.
Comment: This variant is denoted BRCA2 c.6485A>G at the cDNA level, p.Lys2162Arg (K2162R) at the protein level, and results in the change of a Lysine to an Arginine (AAA>AGA). Using alternate nomenclature, this variant would be defined as BRCA2 6713A>G. This variant has not, to our knowledge, been published in the literature as pathogenic or benign. BRCA2 Lys2162Arg was not observed in approximately 6,500 individuals of European and African American ancestry in the NHLBI Exome Sequencing Project, suggesting it is not a common benign variant in these populations. Since Lysine and Arginine share similar properties, this is considered a conservative amino acid substitution. BRCA2 Lys2162Arg occurs at a position that is not conserved and is not located in a known functional domain (Roy 2012, UniProt). In silico analyses predict that this variant is unlikely to alter protein structure or function. Based on currently available evidence, it is unclear whether BRCA2 Lys2162Arg is a pathogenic or benign variant. We consider it to be a variant of uncertain significance.

Molecular Endocrinology Laboratory, Christian Medical College
Classification: Uncertain significance for Breast-ovarian cancer, familial, susceptibility to, 2. Review status: criteria provided, single submitter. Criteria: ACMG Guidelines, 2015. Collection method: clinical testing. Allele origin: germline. Affected: yes.

NM_000059.4(BRCA2):c.6485A>G (p.Lys2162Arg)

Gene: BRCA2 (BRCA2 DNA repair associated; plus strand). Cytogenetic location: 13q13.1.
Variant type: single nucleotide variant.
Coding change: c.6485A>G on transcript NM_000059.4 (MANE Select); coding-DNA position 6485, A replaced by G.
Protein change: p.Lys2162Arg; replaces lysine 2162 with arginine.
Molecular consequence: missense variant.
Genome position (GRCh38, 1-based): chr13:32,340,840, A>G. VCF-style: chr13-32340840-A-G. GRCh37 (hg19) VCF-style: chr13-32914977-A-G.
Other names: short protein forms K2162R.
Identifiers: ClinVar variation 419941 (VCV000419941.25), dbSNP rs11571660, ClinGen allele CA6940960.